The following is an entry in ClinVar:

ClinVar aggregate classification (germline): Likely pathogenic. Review status: criteria provided, multiple submitters, no conflicts (2 of 4 stars). 2 submissions from 2 submitters: Likely pathogenic (2). Last evaluated 2020-08-20.

Conditions:
Camptomelic dysplasia (CMPD). Also called: Campomelic Dysplasia; CMPD1/SRA1. Identifiers: Orphanet 140, MedGen C1861922, MONDO:0007251, OMIM 114290.

Submissions (2):

Labcorp Genetics (formerly Invitae), Labcorp
Classification: Likely pathogenic for Camptomelic dysplasia. Last evaluated: 2020-08-20. Review status: criteria provided, single submitter. Criteria: Invitae Variant Classification Sherloc (09022015). Collection method: clinical testing. Allele origin: germline.
Comment: This sequence change replaces proline with arginine at codon 176 of the SOX9 protein (p.Pro176Arg). The proline residue is highly conserved and there is a moderate physicochemical difference between proline and arginine. This variant is not present in population databases (ExAC no frequency). This variant has not been reported in the literature in individuals with SOX9-related conditions. ClinVar contains an entry for this variant (Variation ID: 451006). Advanced modeling of protein sequence and biophysical properties (such as structural, functional, and spatial information, amino acid conservation, physicochemical variation, residue mobility, and thermodynamic stability) performed at Invitae indicates that this missense variant is expected to disrupt SOX9 protein function. This variant disrupts the p.Pro176 amino acid residue in SOX9. Other variant(s) that disrupt this residue have been determined to be pathogenic (PMID: 15300742, 26740947, 23564514). This suggests that this residue is clinically significant, and that variants that disrupt this residue are likely to be disease-causing. In summary, the currently available evidence indicates that the variant is pathogenic, but additional data are needed to prove that conclusively. Therefore, this variant has been classified as Likely Pathogenic.

GeneDx
Classification: Likely pathogenic. Last evaluated: 2017-07-31. Review status: criteria provided, single submitter. Criteria: GeneDx Variant Classification (06012015). Collection method: clinical testing. Allele origin: germline. Affected: yes.
Comment: The P176R variant in the SOX9 gene has not been reported previously as a pathogenic variant, nor as a benign variant, to our knowledge. However, a missense variant at this same codon (P176L) has been reported in association with the acampomelic form of campomelic dysplasia (Michel-Calemard et al., 2004). The P176R variant is not observed in large population cohorts (Lek et al., 2016; 1000 Genomes Consortium et al., 2015; Exome Variant Server). The P176R variant is a non-conservative amino acid substitution, which is likely to impact secondary protein structure as these residues differ in polarity, charge, size and/or other properties. This substitution occurs at a position that is conserved across species. In silico analysis predicts this variant is probably damaging to the protein structure/function. We interpret P176R as a likely pathogenic variant.

Literature cited by the submitters: PubMed 15300742 (cited by Labcorp Genetics (formerly Invitae), Labcorp); PubMed 26740947 (cited by Labcorp Genetics (formerly Invitae), Labcorp); PubMed 23564514 (cited by Labcorp Genetics (formerly Invitae), Labcorp).

NM_000346.4(SOX9):c.527C>G (p.Pro176Arg)

Gene: SOX9 (SRY-box transcription factor 9; plus strand). Cytogenetic location: 17q24.3.
Variant type: single nucleotide variant.
Coding change: c.527C>G on transcript NM_000346.4 (MANE Select); coding-DNA position 527, C replaced by G.
Protein change: p.Pro176Arg; replaces proline 176 with arginine.
Molecular consequence: missense variant.
Genome position (GRCh38, 1-based): chr17:72,122,814, C>G. VCF-style: chr17-72122814-C-G. GRCh37 (hg19) VCF-style: chr17-70118955-C-G.
Other names: short protein forms P176R.
Identifiers: ClinVar variation 451006 (VCV000451006.11), dbSNP rs1555629170, ClinGen allele CA400866496.
Genomic context (GRCh38, chr17:72,122,814, plus strand): 5'-AGGAGGCGGAGCGGCTGCGCGTGCAGCACAAGAAGGACCACCCGGATTACAAGTACCAGC[C>G]GCGGCGGAGGAAGTCGGTGAAGAACGGGCAGGCGGAGGCAGAGGAGGCCACGGAGCAGAC-3'
Protein context (NP_000337.1, residues 166-186): KKDHPDYKYQ[Pro176Arg]RRRKSVKNGQ